The following is an entry in ClinVar:

NM_000448.3(RAG1):c.653G>A (p.Arg218His)

Gene: RAG1 (recombination activating 1; plus strand). Cytogenetic location: 11p12.
Variant type: single nucleotide variant.
Coding change: c.653G>A on transcript NM_000448.3 (MANE Select); coding-DNA position 653, G replaced by A.
Protein change: p.Arg218His; replaces arginine 218 with histidine.
Molecular consequence: missense variant.
Genome position (GRCh38, 1-based): chr11:36,573,957, G>A. VCF-style: chr11-36573957-G-A. GRCh37 (hg19) VCF-style: chr11-36595507-G-A.
Other names: c.653G>A, p.Arg218His (NM_001377277.1, NM_001377278.1, NM_001377279.1 and 1 more transcripts); short protein forms R218H.
Identifiers: ClinVar variation 304497 (VCV000304497.7), dbSNP rs202178215, ClinGen allele CA5950026.

ClinVar aggregate classification (germline): Uncertain significance. Review status: criteria provided, multiple submitters, no conflicts (2 of 4 stars). 3 submissions from 2 submitters: Uncertain significance (3). Last evaluated 2022-08-16.

Conditions:
Histiocytic medullary reticulosis. Also called: SEVERE COMBINED IMMUNODEFICIENCY WITH HYPEREOSINOPHILIA; Omenn syndrome. Identifiers: Orphanet 39041, MedGen C2700553, MONDO:0011338, OMIM 603554.
Severe combined immunodeficiency, autosomal recessive, T cell-negative, B cell-negative, NK cell-positive. Also called: SCID, T CELL-NEGATIVE, B CELL-NEGATIVE, NK CELL-POSITIVE; SCID, AR, T-cell negative, B-cell negative, NK cell-positive; Severe combined immunodeficiency due to complete RAG1/2 deficiency. Identifiers: Orphanet 331206, MedGen C1832322, MONDO:0011086, OMIM 601457.
Combined immunodeficiency with skin granulomas. Identifiers: Orphanet 157949, MedGen C2673536, MONDO:0009306, OMIM 233650.

Allele frequency attached by ClinVar (database versions not stated): ExAC 0.00006; gnomAD exomes 0.00007; ESP Exome Variant Server 0.00008; TOPMed 0.00013; gnomAD 0.00019.
gnomAD v4.1: 245 of 1,614,098 alleles (0.015%); highest among the groups gnomAD compares: Admixed American, 0.018%; no homozygotes.

Submissions (3):

Labcorp Genetics (formerly Invitae), Labcorp
Classification: Uncertain significance for Combined immunodeficiency with skin granulomas; Severe combined immunodeficiency, autosomal recessive, T cell-negative, B cell-negative, NK cell-positive. Last evaluated: 2022-08-16. Review status: criteria provided, single submitter. Criteria: Invitae Variant Classification Sherloc (09022015). Collection method: clinical testing. Allele origin: germline.
Comment: This sequence change replaces arginine, which is basic and polar, with histidine, which is basic and polar, at codon 218 of the RAG1 protein (p.Arg218His). This variant is present in population databases (rs202178215, gnomAD 0.03%). This variant has not been reported in the literature in individuals affected with RAG1-related conditions. ClinVar contains an entry for this variant (Variation ID: 304497). Advanced modeling of protein sequence and biophysical properties (such as structural, functional, and spatial information, amino acid conservation, physicochemical variation, residue mobility, and thermodynamic stability) performed at Invitae indicates that this missense variant is not expected to disrupt RAG1 protein function. In summary, the available evidence is currently insufficient to determine the role of this variant in disease. Therefore, it has been classified as a Variant of Uncertain Significance.

Illumina Laboratory Services, Illumina
Classification: Uncertain significance for Severe combined immunodeficiency, autosomal recessive, T cell-negative, B cell-negative, NK cell-positive. Last evaluated: 2018-01-13. Review status: criteria provided, single submitter. Criteria: ICSL Variant Classification Criteria 13 December 2019. Collection method: clinical testing. Allele origin: germline.

Illumina Laboratory Services, Illumina
Classification: Uncertain significance for Histiocytic medullary reticulosis. Last evaluated: 2018-01-13. Review status: criteria provided, single submitter. Criteria: ICSL Variant Classification Criteria 13 December 2019. Collection method: clinical testing. Allele origin: germline.